The following is an entry in ClinVar:

ClinVar aggregate classification (germline): Likely pathogenic (1 of 4 stars; one submission).

Conditions:
Cardiovascular phenotype. Identifiers: MedGen CN230736.

Submission:

Ambry Genetics
Classification: Likely pathogenic for Cardiovascular phenotype. Last evaluated: 2025-03-06. Review status: criteria provided, single submitter. Criteria: Ambry Variant Classification Scheme 2023. Collection method: clinical testing. Allele origin: germline.
Comment: The c.57091_57094delGAAA variant, located in coding exon 153 of the TTN gene, results from a deletion of 4 nucleotides at nucleotide positions 57091 to 57094, causing a translational frameshift with a predicted alternate stop codon (p.E19031Pfs*8). This exon is located in the A-band region of the N2-B isoform of the titin protein and is constitutively expressed in TTN transcripts (percent spliced in or PSI 100%). This variant is considered to be rare based on population cohorts in the Genome Aggregation Database (gnomAD). This variant is expected to result in loss of function by premature protein truncation or nonsense-mediated mRNA decay. While truncating variants in TTN are present in 1-3% of the general population, truncating variants in the A-band are the most common cause of dilated cardiomyopathy (Herman DS et al. N. Engl. J. Med., 2012 Feb;366:619-28; Roberts AM et al. Sci Transl Med, 2015 Jan;7:270ra6). TTN truncating variants encoded in constitutive exons (PSI >90%) have been found to be significantly associated with DCM regardless of their position in titin (Schafer S et al. Nat. Genet., 2017 01;49:46-53; Akhtar MM et al. Circ Heart Fail, 2020 Oct;13:e006832; Massier M et al. Clin Genet, 2025 Jan). Based on the majority of available evidence to date, this variant is likely to be pathogenic.

NM_001267550.2(TTN):c.84286_84289del (p.Glu28096fs)

Genes: TTN (titin; minus strand), TTN-AS1 (TTN antisense RNA 1; plus strand). Cytogenetic location: 2q31.2.
Variant type: Microsatellite.
Coding change: c.84286_84289del on transcript NM_001267550.2 (MANE Select); coding-DNA positions 84286 to 84289, 4 bases deleted (GAAA; older notation c.84286_84289delGAAA).
Protein change: p.Glu28096fs; shifts the reading frame from glutamic acid 28096.
Molecular consequence: frameshift variant.
Genome position (GRCh38, 1-based): chr2:178,561,843-178,561,846, TTTC deleted on the plus strand (GAAA on the coding strand, the reverse complement: TTN is on the minus strand); deleting any 4 consecutive bases within chr2:178,561,843-178,561,853 gives the same sequence; the c. name uses the placement nearest the transcript's 3' end. VCF-style (leftmost placement, unchanged base first): chr2-178561842-GTTTC-G. GRCh37 (hg19) VCF-style: chr2-179426569-GTTTC-G.
Other names: c.79363_79366del, p.Glu26455fs (NM_001256850.1); c.57091_57094del, p.Glu19031fs (NM_003319.4); c.76582_76585del, p.Glu25528fs (NM_133378.4); c.57466_57469del, p.Glu19156fs (NM_133432.3); c.57667_57670del, p.Glu19223fs (NM_133437.4); c.57091_57094delGAAA (NM_003319.4); short protein forms E19156fs, E28096fs, E19223fs, E25528fs, E19031fs, E26455fs.
Identifiers: ClinVar variation 3812306 (VCV003812306.1).